The following is an entry in ClinVar:

ClinVar aggregate classification (germline): Uncertain significance (1 of 4 stars; one submission).

Conditions:
Neurofibromatosis, type 1 (NF1). Also called: NEUROFIBROMATOSIS, TYPE I, SOMATIC; Neurofibromatosis, type I; Peripheral type neurofibromatosis; VON RECKLINGHAUSEN DISEASE. Identifiers: Orphanet 636, MedGen C0027831, MONDO:0018975, OMIM 162200. Disease mechanism: loss of function.

Submission:

Labcorp Genetics (formerly Invitae), Labcorp
Classification: Uncertain significance for Neurofibromatosis, type 1. Last evaluated: 2022-08-20. Review status: criteria provided, single submitter. Criteria: Invitae Variant Classification Sherloc (09022015). Collection method: clinical testing. Allele origin: germline.
Comment: In summary, the available evidence is currently insufficient to determine the role of this variant in disease. Therefore, it has been classified as a Variant of Uncertain Significance. Algorithms developed to predict the effect of missense changes on protein structure and function are either unavailable or do not agree on the potential impact of this missense change (SIFT: "Not Available"; PolyPhen-2: "Possibly Damaging"; Align-GVGD: "Not Available"). This variant has been observed in individual(s) with neurofibromatosis type 1 (Invitae). Information on the frequency of this variant in the gnomAD database is not available, as this variant may be reported differently in the database. This variant, c.4967_4968delinsAT, is a complex sequence change that results in the deletion of 1 and insertion of 1 amino acid(s) in the NF1 protein (p.Val1656Asp).

NM_001042492.3(NF1):c.5030_5031delinsAT (p.Val1677Asp)

Gene: NF1 (neurofibromin 1; plus strand). Cytogenetic location: 17q11.2.
Variant type: Indel.
Coding change: c.5030_5031delinsAT on transcript NM_001042492.3 (MANE Select); coding-DNA positions 5030 to 5031, TC replaced by AT.
Protein change: p.Val1677Asp; replaces valine 1677 with aspartic acid.
Molecular consequence: missense variant.
Genome position (GRCh38, 1-based): chr17:31,326,014-31,326,015, TC replaced by AT. VCF-style: chr17-31326014-TC-AT. GRCh37 (hg19) VCF-style: chr17-29653032-TC-AT.
Other names: c.4967_4968delTCinsAT, p.Val1656Asp (NM_000267.4); short protein forms V1656D, V1677D.
Identifiers: ClinVar variation 2025176 (VCV002025176.4), dbSNP rs2508696243, ClinGen allele CA2580092991.